The following is an entry in ClinVar:

ClinVar aggregate classification (germline): Uncertain significance (1 of 4 stars; one submission).

gnomAD v4.1: 9 of 1,613,048 alleles (0.00056%); highest among the groups gnomAD compares: Non-Finnish European, 0.00076%; no homozygotes.

Submission:

Labcorp Genetics (formerly Invitae), Labcorp
Classification: Uncertain significance. Last evaluated: 2025-08-22. Review status: criteria provided, single submitter. Criteria: Invitae Variant Classification Sherloc (09022015). Collection method: clinical testing. Allele origin: germline.
Comment: This sequence change replaces valine, which is neutral and non-polar, with alanine, which is neutral and non-polar, at codon 359 of the COL2A1 protein (p.Val359Ala). This variant is not present in population databases (gnomAD no frequency). This variant has not been reported in the literature in individuals affected with COL2A1-related conditions. Invitae Evidence Modeling of protein sequence and biophysical properties (such as structural, functional, and spatial information, amino acid conservation, physicochemical variation, residue mobility, and thermodynamic stability) indicates that this missense variant is not expected to disrupt COL2A1 protein function with a negative predictive value of 95%. In summary, the available evidence is currently insufficient to determine the role of this variant in disease. Therefore, it has been classified as a Variant of Uncertain Significance.

NM_001844.5(COL2A1):c.1076T>C (p.Val359Ala)

Gene: COL2A1 (collagen type II alpha 1 chain; minus strand). Cytogenetic location: 12q13.11.
Variant type: single nucleotide variant.
Coding change: c.1076T>C on transcript NM_001844.5 (MANE Select); coding-DNA position 1076, T replaced by C.
Protein change: p.Val359Ala; replaces valine 359 with alanine.
Molecular consequence: missense variant.
Genome position (GRCh38, 1-based): chr12:47,989,274, A>G on the plus strand (T>C on the coding strand, the complement: COL2A1 is on the minus strand). VCF-style: chr12-47989274-A-G. GRCh37 (hg19) VCF-style: chr12-48383057-A-G.
Other names: c.869T>C, p.Val290Ala (NM_033150.3); short protein forms V290A, V359A.
Identifiers: ClinVar variation 4797606 (VCV004797606.1).